The following is an entry in ClinVar:

ClinVar aggregate classification (germline): Uncertain significance (1 of 4 stars; one submission).

Conditions:
Epidermolysis bullosa simplex with nail dystrophy (EBS5D). Identifiers: MedGen C4225309, MONDO:0014661, OMIM 616487.
Epidermolysis bullosa simplex, Ogna type (EBS5A). Also called: Pidermolysis bullosa simplex 5A, Ogna type; EPIDERMOLYSIS BULLOSA SIMPLEX 5A, OGNA TYPE. Identifiers: Orphanet 79401, MedGen C0432317, MONDO:0007555, OMIM 131950.
Epidermolysis bullosa simplex 5B, with muscular dystrophy (EBS5B). Also called: Epidermolysis bullosa simplex with muscular dystrophy; EPIDERMOLYSIS BULLOSA SIMPLEX AND LIMB-GIRDLE MUSCULAR DYSTROPHY. Identifiers: Orphanet 257, MedGen C2931072, MONDO:0009181, OMIM 226670.
Autosomal recessive limb-girdle muscular dystrophy type 2Q (LGMDR17). Also called: MUSCULAR DYSTROPHY, LIMB-GIRDLE, AUTOSOMAL RECESSIVE 17. Identifiers: Orphanet 254361, MedGen C3150989, MONDO:0013390, OMIM 613723.
Epidermolysis bullosa simplex 5C, with pyloric atresia (EBS5C). Also called: PLEC-Related Epidermolysis Bullosa with Pyloric Atresia; Epidermolysis bullosa simplex with pyloric atresia; PLEC1-Related Epidermolysis Bullosa with Pyloric Atresia. Identifiers: Orphanet 158684, MedGen C2677349, MONDO:0012807, OMIM 612138.

Submission:

Labcorp Genetics (formerly Invitae), Labcorp
Classification: Uncertain significance for Autosomal recessive limb-girdle muscular dystrophy type 2Q; Epidermolysis bullosa simplex, Ogna type; Epidermolysis bullosa simplex with nail dystrophy; Epidermolysis bullosa simplex 5C, with pyloric atresia; Epidermolysis bullosa simplex 5B, with muscular dystrophy. Last evaluated: 2026-01-12. Review status: criteria provided, single submitter. Criteria: Invitae Variant Classification Sherloc (09022015). Collection method: clinical testing. Allele origin: germline.
Comment: This variant, c.4687_4695del, results in the deletion of 3 amino acid(s) of the PLEC protein (p.Gln1563_Leu1565del), but otherwise preserves the integrity of the reading frame. This variant is present in population databases (rs782211155, gnomAD 0.001%). This variant has not been reported in the literature in individuals affected with PLEC-related conditions. Experimental studies and prediction algorithms are not available or were not evaluated, and the functional significance of this variant is currently unknown. In summary, the available evidence is currently insufficient to determine the role of this variant in disease. Therefore, it has been classified as a Variant of Uncertain Significance.

NM_201384.3(PLEC):c.4606_4614del (p.Gln1536_Leu1538del)

Gene: PLEC (plectin; minus strand). Cytogenetic location: 8q24.3.
Variant type: Deletion.
Coding change: c.4606_4614del on transcript NM_201384.3 (MANE Select); coding-DNA positions 4606 to 4614, 9 bases deleted (CAGGCCCTG; older notation c.4606_4614delCAGGCCCTG).
Protein change: p.Gln1536_Leu1538del.
Molecular consequence: intron variant (on NM_001410941.1).
Genome position (GRCh38, 1-based): chr8:143,925,315-143,925,323, CAGGGCCTG deleted on the plus strand (CAGGCCCTG on the coding strand, the reverse complement: PLEC is on the minus strand); deleting any 9 consecutive bases within chr8:143,925,315-143,925,330 gives the same sequence; the c. name uses the placement nearest the transcript's 3' end. VCF-style (leftmost placement, unchanged base first): chr8-143925314-CCAGGGCCTG-C. GRCh37 (hg19) VCF-style: chr8-144999482-CCAGGGCCTG-C.
Other names: c.4540_4548del, p.Gln1514_Leu1516del (NM_201379.3); c.5017_5025del, p.Gln1673_Leu1675del (NM_201380.4); c.4510_4518del, p.Gln1504_Leu1506del (NM_201381.3); c.4606_4614del, p.Gln1536_Leu1538del (NM_201382.4); c.4618_4626del, p.Gln1540_Leu1542del (NM_201383.3); c.4125+1461_4125+1469del (NM_001410941.1); c.4687_4695del, p.Gln1563_Leu1565del (NM_000445.5); c.4564_4572del, p.Gln1522_Leu1524del (NM_201378.4).
Identifiers: ClinVar variation 4783986 (VCV004783986.1).
Genomic context (GRCh38, chr8:143,925,314, plus strand): 5'-GCTCCACCTCGGCCTGCCGCAGGCGCCGCTCCGCCTCCTCCGCCTGCAGCCGCAGCTCCT[CCAGGGCCTG>C]CAGGGCCCGCTGCTTCTCGCGCGCCGCCTCGGCCTCGGCCTTCACGCGCGAGGCCAGCTC-3'